The following is an entry in ClinVar:

NM_014141.6(CNTNAP2):c.2495C>T (p.Pro832Leu)

Gene: CNTNAP2 (contactin associated protein 2; plus strand). Cytogenetic location: 7q35.
Variant type: single nucleotide variant.
Coding change: c.2495C>T on transcript NM_014141.6 (MANE Select); coding-DNA position 2495, C replaced by T.
Protein change: p.Pro832Leu; replaces proline 832 with leucine.
Molecular consequence: missense variant.
Genome position (GRCh38, 1-based): chr7:148,118,229, C>T. VCF-style: chr7-148118229-C-T. GRCh37 (hg19) VCF-style: chr7-147815321-C-T.
Other names: short protein forms P832L.
Identifiers: ClinVar variation 1382690 (VCV001382690.4), dbSNP rs1355420376, ClinGen allele CA369927395.

ClinVar aggregate classification (germline): Uncertain significance (1 of 4 stars; one submission).

Conditions:
Cortical dysplasia-focal epilepsy syndrome (PTHSL1). Also called: Pitt-Hopkins-like syndrome 1. Identifiers: Orphanet 163681, Orphanet 221150, MedGen C2750246, MONDO:0012400, OMIM 610042.

Allele frequency attached by ClinVar (database versions not stated): gnomAD exomes below 0.00001.
gnomAD v4.1: 1 of 1,614,112 alleles (0.000062%); highest among the groups gnomAD compares: East Asian, 0.0022%; no homozygotes.

Submission:

Labcorp Genetics (formerly Invitae), Labcorp
Classification: Uncertain significance for Cortical dysplasia-focal epilepsy syndrome. Last evaluated: 2022-06-15. Review status: criteria provided, single submitter. Criteria: Invitae Variant Classification Sherloc (09022015). Collection method: clinical testing. Allele origin: germline.
Comment: In summary, the available evidence is currently insufficient to determine the role of this variant in disease. Therefore, it has been classified as a Variant of Uncertain Significance. Algorithms developed to predict the effect of missense changes on protein structure and function are either unavailable or do not agree on the potential impact of this missense change (SIFT: "Deleterious"; PolyPhen-2: "Benign"; Align-GVGD: "Class C0"). This variant has not been reported in the literature in individuals affected with CNTNAP2-related conditions. This variant is present in population databases (no rsID available, gnomAD 0.006%). This sequence change replaces proline, which is neutral and non-polar, with leucine, which is neutral and non-polar, at codon 832 of the CNTNAP2 protein (p.Pro832Leu).